The following is an entry in ClinVar:

ClinVar aggregate classification (germline): Uncertain significance (1 of 4 stars; one submission).

Conditions:
Charcot-Marie-Tooth disease type 2. Also called: Charcot-Marie-Tooth type 2. Identifiers: Orphanet 64746, MedGen C0270914, MONDO:0018993.

Allele frequency attached by ClinVar (database versions not stated): TOPMed below 0.00001; ESP Exome Variant Server 0.00008; ExAC 0.00002; gnomAD exomes 0.00001.

Submission:

Labcorp Genetics (formerly Invitae), Labcorp
Classification: Uncertain significance for Charcot-Marie-Tooth disease type 2. Last evaluated: 2023-07-07. Review status: criteria provided, single submitter. Criteria: Invitae Variant Classification Sherloc (09022015). Collection method: clinical testing. Allele origin: germline.
Comment: This sequence change replaces asparagine, which is neutral and polar, with aspartic acid, which is acidic and polar, at codon 160 of the GARS protein (p.Asn160Asp). This variant is present in population databases (rs372198757, gnomAD 0.002%). This variant has not been reported in the literature in individuals affected with GARS-related conditions. ClinVar contains an entry for this variant (Variation ID: 651171). Advanced modeling of protein sequence and biophysical properties (such as structural, functional, and spatial information, amino acid conservation, physicochemical variation, residue mobility, and thermodynamic stability) performed at Invitae indicates that this missense variant is expected to disrupt GARS protein function. In summary, the available evidence is currently insufficient to determine the role of this variant in disease. Therefore, it has been classified as a Variant of Uncertain Significance.

NM_002047.4(GARS1):c.478A>G (p.Asn160Asp)

Gene: GARS1 (glycyl-tRNA synthetase 1; plus strand). Cytogenetic location: 7p14.3.
Variant type: single nucleotide variant.
Coding change: c.478A>G on transcript NM_002047.4 (MANE Select); coding-DNA position 478, A replaced by G.
Protein change: p.Asn160Asp; replaces asparagine 160 with aspartic acid.
Molecular consequence: missense variant.
Genome position (GRCh38, 1-based): chr7:30,601,109, A>G. VCF-style: chr7-30601109-A-G. GRCh37 (hg19) VCF-style: chr7-30640725-A-G.
Other names: c.478A>G (LRG_243t1); c.316A>G, p.Asn106Asp (NM_001316772.1); short protein forms N160D, N106D.
Identifiers: ClinVar variation 651171 (VCV000651171.10), dbSNP rs372198757, ClinGen allele CA4205716.
Genomic context (GRCh38, chr7:30,601,109, plus strand): 5'-TATTCTATAGGTGTTAGTGGTCTGTATGACTTTGGGCCAGTTGGCTGTGCTTTGAAGAAC[A>G]ATATTATTCAGACCTGGAGGCAGCACTTTATCCAAGAGGAACAGATCCTGGAGATCGATT-3'
Protein context (NP_002038.2, residues 150-170): FGPVGCALKN[Asn160Asp]IIQTWRQHFI